The following is an entry in ClinVar:

ClinVar aggregate classification (germline): Conflicting classifications of pathogenicity. Review status: criteria provided, conflicting classifications (1 of 4 stars). 4 submissions from 4 submitters: Uncertain significance (3); Likely benign (1). Last evaluated 2026-01-06.

Conditions:
Hearing impairment. Also called: Impaired Hearing. Identifiers: MedGen C1384666, MONDO:0005365, HP:0000365.
Inborn genetic diseases. Identifiers: MedGen C0950123, MeSH D030342.

Allele frequency attached by ClinVar (database versions not stated): ExAC 0.00002; gnomAD exomes 0.00003; TOPMed 0.00003; gnomAD 0.00005 and 0.00006; 1000 Genomes Project 30x 0.00016; 1000 Genomes Project 0.00020.
gnomAD v4.1: 56 of 1,614,034 alleles (0.0035%); highest among the groups gnomAD compares: East Asian, 0.0089%; no homozygotes.

Submissions (4):

Labcorp Genetics (formerly Invitae), Labcorp
Classification: Likely benign. Last evaluated: 2026-01-06. Review status: criteria provided, single submitter. Criteria: Invitae Variant Classification Sherloc (09022015). Collection method: clinical testing. Allele origin: germline.

Ambry Genetics
Classification: Uncertain significance for Inborn genetic diseases. Last evaluated: 2025-03-07. Review status: criteria provided, single submitter. Criteria: Ambry Variant Classification Scheme 2023. Collection method: clinical testing. Allele origin: germline.

Blueprint Genetics
Classification: Uncertain significance. Last evaluated: 2023-03-16. Review status: criteria provided, single submitter. Criteria: ACMG Guidelines, 2015. Collection method: clinical testing. Allele origin: germline.

Department of Otolaryngology – Head & Neck Surgery, Cochlear Implant Center
Classification: Uncertain significance for Hearing impairment. Last evaluated: 2021-04-12. Review status: criteria provided, single submitter. Criteria: ClinGen HL ACMG Specifications v1. Collection method: clinical testing. Allele origin: germline. Affected: yes.
Comment: PM2_Moderate

NM_080680.3(COL11A2):c.4202G>A (p.Arg1401Gln)

Gene: COL11A2 (collagen type XI alpha 2 chain; minus strand). Cytogenetic location: 6p21.32.
Variant type: single nucleotide variant.
Coding change: c.4202G>A on transcript NM_080680.3 (MANE Select); coding-DNA position 4202, G replaced by A.
Protein change: p.Arg1401Gln; replaces arginine 1401 with glutamine.
Molecular consequence: missense variant.
Genome position (GRCh38, 1-based): chr6:33,167,098, C>T on the plus strand (G>A on the coding strand, the complement: COL11A2 is on the minus strand). VCF-style: chr6-33167098-C-T. GRCh37 (hg19) VCF-style: chr6-33134875-C-T.
Other names: c.3881G>A, p.Arg1294Gln (NM_080679.3); c.3944G>A, p.Arg1315Gln (NM_080681.3); short protein forms R1294Q, R1315Q, R1401Q.
Identifiers: ClinVar variation 1064928 (VCV001064928.12), dbSNP rs184399988, ClinGen allele CA3750184.